The following is an entry in ClinVar:

NM_000329.3(RPE65):c.962dup (p.Asn321fs)

Gene: RPE65 (retinoid isomerohydrolase RPE65; minus strand). Cytogenetic location: 1p31.3.
Variant type: Duplication.
Coding change: c.962dup on transcript NM_000329.3 (MANE Select); coding-DNA position 962, one base duplicated (A; older notation c.962dupA).
Protein change: p.Asn321fs; shifts the reading frame from asparagine 321.
Molecular consequence: frameshift variant.
Genome position (GRCh38, 1-based): chr1:68,438,978, T duplicated on the plus strand (A on the coding strand, the reverse complement: RPE65 is on the minus strand); the first of 2 consecutive T bases (chr1:68,438,978-68,438,979); duplicating either gives the same sequence. VCF-style (leftmost placement, unchanged base first): chr1-68438977-A-AT. GRCh37 (hg19) VCF-style: chr1-68904660-A-AT.
Other names: NM_000329.3(RPE65):c.962dup; p.Asn321fs; c.962dup (NM_000329.2); short protein forms N321fs.
Identifiers: ClinVar variation 98902 (VCV000098902.16), dbSNP rs61752906, ClinGen allele CA226596.

ClinVar aggregate classification (germline): Pathogenic. Review status: reviewed by expert panel (3 of 4 stars). 6 submissions from 6 submitters: Pathogenic (1). 5 of the submissions do not count toward it. Last evaluated 2024-04-22.

Conditions:
Leber congenital amaurosis (LCA). Also called: Leber's amaurosis. Identifiers: Orphanet 65, MedGen C0339527, MeSH D057130, MONDO:0018998.
RPE65-related recessive retinopathy. Also called: Recessive RPE65 retinopathy. Identifiers: MedGen CN305526, MONDO:0100368.
Leber congenital amaurosis 2 (LCA2). Also called: AMAUROSIS CONGENITA OF LEBER II; Autosomal Recessive RPE65-Related Retinal Degeneration. Identifiers: Orphanet 65, MedGen C1859844, MONDO:0008765, OMIM 204100. Disease mechanism: loss of function.
Retinitis pigmentosa 20 (RP20). Identifiers: Orphanet 791, MedGen C3151086, MONDO:0013425, OMIM 613794.
RPE65-related disorder. Also called: RPE65-related disorders; RPE65-related condition. Identifiers: MedGen CN239301.

Submissions (6):

ClinGen Leber Congenital Amaurosis/early Onset Retinal Dystrophy Variant Curation Expert Panel, ClinGen
Classification: Pathogenic for RPE65-related recessive retinopathy. Last evaluated: 2024-04-22. Review status: reviewed by expert panel. Criteria: ClinGen LCAeoRD ACMG Specifications RPE65 V1.0.0. Collection method: curation. Allele origin: germline. Inheritance: Autosomal recessive inheritance.
Comment: This is a frameshift variant that introduces a premature stop codon into exon 9 of 14, and is predicted to lead to nonsense-mediated decay in a gene in which loss-of-function is an established mechanism of disease (PVS1).This variant has been reported in at least 1 proband with early-onset severe retinal dystrophy who was compound heterozygous with the p.Arg124Ter variant confirmed in trans (1 point, PMID: 9501220), which was previously classified pathogenic by the ClinGen LCA/eoRD VCEP (1 total point, PM3).This variant has an allele frequency of 0.0001148 (1/8712) in the African/African-American population in gnomAD v2.1.1 (with no homozygotes). This allele frequency is lower than the ClinGen LCA/eoRD VCEP threshold (<0.0002) for this criterion (PM2_Supporting). In summary, this variant meets the criteria to be classified as Pathogenic for RPE65-related recessive retinopathy based on the ACMG/AMP criteria applied, as specified by the ClinGen LCA/eoRD VCEP: PVS1, PM3, and PM2_Supporting. (VCEP specifications version 1.0.0; date of approval 09/21/2023).

Natera, Inc.
Classification: Pathogenic for Leber congenital amaurosis. Last evaluated: 2024-07-20. Review status: criteria provided, single submitter. Criteria: Natera Variant Classification Schema (03/2026). Collection method: clinical testing. Allele origin: germline. Not counted in ClinVar's aggregate classification.
Comment: The c.962dup variant in RPE65 is a frameshift variant predicted to shift the reading frame beginning at codon 321 and leads to a stop codon 15 codons downstream. This variant is expected to result in nonsense mediated decay, truncation, or a dysfunctional protein product. This variant is rare in the general population with a frequency below the threshold expected for the associated phenotype(s). This variant has been observed in one or more individuals affected with the associated recessive disease, as either homozygous or compound heterozygous with a second variant (PMID: 35001204, 19959640). Given the available evidence, this variant is classified as Pathogenic.

Labcorp Genetics (formerly Invitae), Labcorp
Classification: Pathogenic for Leber congenital amaurosis 2; Retinitis pigmentosa 20. Last evaluated: 2023-10-15. Review status: criteria provided, single submitter. Criteria: Invitae Variant Classification Sherloc (09022015). Collection method: clinical testing. Allele origin: germline. Not counted in ClinVar's aggregate classification.
Comment: This sequence change creates a premature translational stop signal (p.Asn321Lysfs*15) in the RPE65 gene. It is expected to result in an absent or disrupted protein product. Loss-of-function variants in RPE65 are known to be pathogenic (PMID: 9326941, 9501220, 9843205, 18632300). This variant is present in population databases (rs61752906, gnomAD 0.01%). This premature translational stop signal has been observed in individual(s) with Leber congenital amaurosis (PMID: 9501220). ClinVar contains an entry for this variant (Variation ID: 98902). For these reasons, this variant has been classified as Pathogenic.

Baylor Genetics
Classification: Pathogenic for Leber congenital amaurosis 2. Last evaluated: 2023-07-28. Review status: criteria provided, single submitter. Criteria: ACMG Guidelines, 2015. Collection method: clinical testing. Allele origin: unknown. Not counted in ClinVar's aggregate classification.

Blueprint Genetics
Classification: Pathogenic for RPE65-related disorders. Last evaluated: 2018-02-05. Review status: criteria provided, single submitter. Criteria: ACMG Guidelines, 2015. Collection method: clinical testing. Allele origin: germline. Affected: yes. Observed: 1 variant allele. Not counted in ClinVar's aggregate classification.

Retina International
No classification provided. Review status: no classification provided. Collection method: not provided. Allele origin: not provided. Not counted in ClinVar's aggregate classification.

Literature cited by the submitters: PubMed 35001204 (cited by Natera, Inc.); PubMed 19959640 (cited by Natera, Inc.); PubMed 9326941 (cited by Labcorp Genetics (formerly Invitae), Labcorp); PubMed 9501220 (cited by Labcorp Genetics (formerly Invitae), Labcorp); PubMed 9843205 (cited by Labcorp Genetics (formerly Invitae), Labcorp); PubMed 18632300 (cited by Labcorp Genetics (formerly Invitae), Labcorp).